The following is an entry in ClinVar:

NM_003466.4(PAX8):c.1267A>G (p.Ser423Gly)

Gene: PAX8 (paired box 8; minus strand). Cytogenetic location: 2q14.1.
Variant type: single nucleotide variant.
Coding change: c.1267A>G on transcript NM_003466.4 (MANE Select); coding-DNA position 1267, A replaced by G.
Protein change: p.Ser423Gly; replaces serine 423 with glycine.
Molecular consequence: missense variant. On other transcripts: synonymous variant (3).
Genome position (GRCh38, 1-based): chr2:113,220,101, T>C on the plus strand (A>G on the coding strand, the complement: PAX8 is on the minus strand). VCF-style: chr2-113220101-T-C. GRCh37 (hg19) VCF-style: chr2-113977678-T-C.
Other names: c.1188A>G, p.Pro396= (NM_013952.4); c.957A>G, p.Pro319= (NM_013953.4); c.855A>G, p.Pro285= (NM_013992.4); short protein forms S423G.
Identifiers: ClinVar variation 330884 (VCV000330884.6), dbSNP rs199844947, ClinGen allele CA1839906.

ClinVar aggregate classification (germline): Uncertain significance. Review status: criteria provided, single submitter (1 of 4 stars). 2 submissions from 2 submitters: Uncertain significance (1). 1 of the submissions does not count toward it. Last evaluated 2018-01-13.

Conditions:
Hypothyroidism, congenital, nongoitrous, 2 (CHNG2). Also called: Hypothyroidism, congenital, due to thyroid dysgenesis or hypoplasia. Identifiers: Orphanet 95712, MedGen C1869118, MONDO:0024264, OMIM 218700.

Allele frequency attached by ClinVar (database versions not stated): gnomAD 0.00010 and 0.00011; TOPMed 0.00010; ESP Exome Variant Server 0.00017; gnomAD exomes 0.00017 and 0.00018; ExAC 0.00020.
gnomAD v4.1: 278 of 1,612,870 alleles (0.017%); highest among the groups gnomAD compares: Non-Finnish European, 0.022%; no homozygotes.

Submissions (2):

Illumina Laboratory Services, Illumina
Classification: Uncertain significance for Hypothyroidism, congenital, nongoitrous, 2. Last evaluated: 2018-01-13. Review status: criteria provided, single submitter. Criteria: ICSL Variant Classification Criteria 13 December 2019. Collection method: clinical testing. Allele origin: germline.

Department of Pathology and Laboratory Medicine, Sinai Health System
Classification: Uncertain significance. Review status: no assertion criteria provided. Collection method: clinical testing. Allele origin: unknown. Affected: yes. Study: The Canadian Open Genetics Repository (COGR). Not counted in ClinVar's aggregate classification.
Comment: The PAX8 p.Ser423Gly variant was not identified in the literature nor was it identified in Cosmic or LOVD 3.0. The variant was identified in dbSNP (ID: rs199844947) and ClinVar (classified as Uncertain Significance by Illumina; associated condition is Congenital Hypothyroidism). The variant was identified in control databases in 45 of 278896 chromosomes at a frequency of 0.000161 (Genome Aggregation Database Feb 27, 2017). The variant was observed in the following populations: European (non-Finnish) in 36 of 127706 chromosomes (freq: 0.000282), Other in 2 of 7098 chromosomes (freq: 0.000282), European (Finnish) in 6 of 24424 chromosomes (freq: 0.000246), Latino in 1 of 35276 chromosomes (freq: 0.000028), while the variant was not observed in the African, Ashkenazi Jewish, East Asian, and South Asian populations. The p.Ser423 residue is conserved across mammals and other organisms, and four out of five computational analyses (PolyPhen-2, SIFT, AlignGVGD, MutationTaster) suggest that the S variant may impact the protein; however, this information is not predictive enough to assume pathogenicity. The variant occurs outside of the splicing consensus sequence and 2 of 4 in silico or computational prediction software programs (SpliceSiteFinder, MaxEntScan) predict a greater than 10% difference in splicing, specifically a decrease in 3â€šÃ„Ã´ splicing activity; this is not very predictive of pathogenicity. In summary, based on the above information the clinical significance of this variant cannot be determined with certainty at this time. This variant is classified as a variant of uncertain significance.